The following is an entry in ClinVar:

ClinVar aggregate classification (germline): Uncertain significance. Review status: criteria provided, multiple submitters, no conflicts (2 of 4 stars). 3 submissions from 3 submitters: Uncertain significance (3). Last evaluated 2024-09-16.

Conditions:
Autosomal recessive hypophosphatemic bone disease (HHRH). Also called: Hypophosphatemic rickets with hypercalciuria; HYPERCALCIURIC RICKETS. Identifiers: Orphanet 157215, MedGen C1853271, MONDO:0009431, OMIM 241530.

Submissions (3):

Women's Health and Genetics/Laboratory Corporation of America, LabCorp
Classification: Uncertain significance. Last evaluated: 2024-09-16. Review status: criteria provided, single submitter. Criteria: LabCorp Variant Classification Summary - May 2015. Collection method: clinical testing. Allele origin: germline.
Comment: Variant summary: SLC34A3 c.894_896delGAA (p.Lys298del) results in an in-frame deletion that is predicted to remove one amino acid from the encoded protein. The variant allele was found at a frequency of 4.7e-05 in 234398 control chromosomes. This frequency is not significantly higher than estimated for a pathogenic variant in SLC34A3 causing Hereditary Hypophosphatemic Rickets with Hypercalciuria (4.7e-05 vs 0.0018), allowing no conclusion about variant significance. c.894_896delGAA has been reported in the literature in at least an individual affected with hypophosphatemia (example: Rush_2022). This report does not provide unequivocal conclusions about association of the variant with Hereditary Hypophosphatemic Rickets with Hypercalciuria. To our knowledge, no experimental evidence demonstrating an impact on protein function has been reported. The following publication has been ascertained in the context of this evaluation (PMID: 34633109). ClinVar contains an entry for this variant (Variation ID: 1042817). Based on the evidence outlined above, the variant was classified as uncertain significance.

Fulgent Genetics
Classification: Uncertain significance for Autosomal recessive hypophosphatemic bone disease. Last evaluated: 2024-02-05. Review status: criteria provided, single submitter. Criteria: ACMG Guidelines, 2015. Collection method: clinical testing. Allele origin: germline.

Labcorp Genetics (formerly Invitae), Labcorp
Classification: Uncertain significance. Last evaluated: 2022-04-29. Review status: criteria provided, single submitter. Criteria: Invitae Variant Classification Sherloc (09022015). Collection method: clinical testing. Allele origin: germline.
Comment: This variant, c.894_896del, results in the deletion of 1 amino acid(s) of the SLC34A3 protein (p.Lys298del), but otherwise preserves the integrity of the reading frame. This variant is present in population databases (rs775037904, gnomAD 0.01%). This variant has not been reported in the literature in individuals affected with SLC34A3-related conditions. Experimental studies and prediction algorithms are not available or were not evaluated, and the functional significance of this variant is currently unknown. Algorithms developed to predict the effect of sequence changes on RNA splicing suggest that this variant may disrupt the consensus splice site. In summary, the available evidence is currently insufficient to determine the role of this variant in disease. Therefore, it has been classified as a Variant of Uncertain Significance.

Literature cited by the submitters: PubMed 34633109 (cited by Women's Health and Genetics/Laboratory Corporation of America, LabCorp).

NM_001177316.2(SLC34A3):c.891GAA[1] (p.Lys298del)

Gene: SLC34A3 (solute carrier family 34 member 3; plus strand). Cytogenetic location: 9q34.3.
Variant type: Microsatellite.
Coding change: c.891GAA[1] on transcript NM_001177316.2 (MANE Select); one copy of the 3-base unit GAA starting at c.891; the reference has two copies in a row; one copy, 3 bases deleted.
Protein change: p.Lys298del; deletes lysine 298.
Molecular consequence: inframe deletion.
Genome position (GRCh38, 1-based): chr9:137,233,910-137,233,912, GAA deleted; deleting any 3 consecutive bases within chr9:137,233,906-137,233,912 gives the same sequence; the position shown is the placement nearest the transcript's 3' end. VCF-style (leftmost placement, unchanged base first): chr9-137233905-GAGA-G. GRCh37 (hg19) VCF-style: chr9-140128357-GAGA-G.
Other names: c.891GAA[1], p.Lys298del (NM_001177317.2, NM_080877.3); c.894_896delGAA (NM_080877.3); short protein forms K298del.
Identifiers: ClinVar variation 1042817 (VCV001042817.10), dbSNP rs775037904, ClinGen allele CA5364649.
Genomic context (GRCh38, chr9:137,233,905, plus strand): 5'-CCTCCCTGCCCTCCCCAGACCCAGGAGAACAGCAGCTGTGGCGCCTTCGGCCCGTGCACA[GAGA>G]AGAACAGCACAGCCCCGGCGGACAGGCTGCCCTGTGAGGCCCGGCCCACCCCAAGCCCCC-3'